The following is an entry in ClinVar:

ClinVar aggregate classification (germline): Conflicting classifications of pathogenicity. Review status: criteria provided, conflicting classifications (1 of 4 stars). 4 submissions from 4 submitters: Uncertain significance (1); Likely benign (3). Last evaluated 2026-01-19.

Conditions:
Hereditary cancer-predisposing syndrome. Also called: Tumor predisposition; Neoplastic Syndromes, Hereditary; Hereditary neoplastic syndrome; Hereditary Cancer Syndrome. Identifiers: Orphanet 140162, MedGen C0027672, MeSH D009386, MONDO:0015356.
Rhabdoid tumor predisposition syndrome 2 (RTPS2). Identifiers: Orphanet 231108, Orphanet 69077, MedGen C2750074, MONDO:0013224, OMIM 613325.

Allele frequency attached by ClinVar (database versions not stated): gnomAD exomes below 0.00001.
gnomAD v4.1: 11 of 1,608,284 alleles (0.00068%); highest among the groups gnomAD compares: South Asian, 0.0011%; no homozygotes.

Submissions (4):

Labcorp Genetics (formerly Invitae), Labcorp
Classification: Likely benign for Rhabdoid tumor predisposition syndrome 2. Last evaluated: 2026-01-19. Review status: criteria provided, single submitter. Criteria: Invitae Variant Classification Sherloc (09022015). Collection method: clinical testing. Allele origin: germline.

Quest Diagnostics Nichols Institute San Juan Capistrano
Classification: Likely benign. Last evaluated: 2025-02-14. Review status: criteria provided, single submitter. Criteria: Quest Diagnostics criteria. Collection method: clinical testing. Allele origin: unknown.

GeneDx
Classification: Uncertain significance. Last evaluated: 2024-01-30. Review status: criteria provided, single submitter. Criteria: GeneDx Variant Classification Process June 2021. Collection method: clinical testing. Allele origin: germline.
Comment: Has not been previously published as pathogenic or benign to our knowledge; In silico analysis suggests this variant may impact gene splicing. In the absence of RNA/functional studies, the actual effect of this sequence change is unknown.; This variant is associated with the following publications: (PMID: 32686686)

Ambry Genetics
Classification: Likely benign for Hereditary cancer-predisposing syndrome. Last evaluated: 2016-08-29. Review status: criteria provided, single submitter. Criteria: Ambry Variant Classification Scheme 2023. Collection method: clinical testing. Allele origin: germline.

NM_003072.5(SMARCA4):c.924G>A (p.Thr308=)

Gene: SMARCA4 (SWI/SNF related BAF chromatin remodeling complex subunit ATPase 4; plus strand). Cytogenetic location: 19p13.2.
Variant type: single nucleotide variant.
Coding change: c.924G>A on transcript NM_003072.5 (MANE Select); coding-DNA position 924, G replaced by A.
Protein change: p.Thr308=; no amino-acid change (threonine 308 retained).
Molecular consequence: synonymous variant. On other transcripts: non-coding transcript variant (1).
Genome position (GRCh38, 1-based): chr19:10,987,730, G>A. VCF-style: chr19-10987730-G-A. GRCh37 (hg19) VCF-style: chr19-11098406-G-A.
Other names: c.924G>A, p.Thr308= (NM_001128844.3, NM_001128845.2, NM_001128846.2 and 5 more transcripts).
Identifiers: ClinVar variation 480623 (VCV000480623.19), dbSNP rs944736912, ClinGen allele CA305287433.